The following is an entry in ClinVar:

NM_153717.3(EVC):c.338dup (p.Ala114fs)

Gene: EVC (EvC ciliary complex subunit 1; plus strand). Cytogenetic location: 4p16.2.
Variant type: Duplication.
Coding change: c.338dup on transcript NM_153717.3 (MANE Select); coding-DNA position 338, one base duplicated (T; older notation c.338dupT).
Protein change: p.Ala114fs; shifts the reading frame from alanine 114.
Molecular consequence: frameshift variant.
Genome position (GRCh38, 1-based): chr4:5,729,344, T duplicated; the last of 2 consecutive T bases (chr4:5,729,343-5,729,344); duplicating either gives the same sequence. VCF-style (leftmost placement, unchanged base first): chr4-5729342-A-AT. GRCh37 (hg19) VCF-style: chr4-5731069-A-AT.
Other names: c.338dup, p.Ala114fs (NM_001306090.2, NM_001306092.2); short protein forms A114fs.
Identifiers: ClinVar variation 1371302 (VCV001371302.7), dbSNP rs2151919221, ClinGen allele CA2573138331.

ClinVar aggregate classification (germline): Pathogenic (1 of 4 stars; one submission).

Conditions:
Ellis-van Creveld syndrome (EVC). Also called: Chondroectodermal dysplasia; EVC-Related Ellis-van Creveld Syndrome; EVC2-Related Ellis-van Creveld Syndrome; MESOECTODERMAL DYSPLASIA. Identifiers: Orphanet 289, MedGen C0013903, MONDO:0009162, OMIM 225500.
Curry-Hall syndrome (WAD). Also called: WEYERS ACRODENTAL DYSOSTOSIS. Identifiers: Orphanet 952, MedGen C0457013, MONDO:0008673, OMIM 193530.

Submission:

Labcorp Genetics (formerly Invitae), Labcorp
Classification: Pathogenic for Curry-Hall syndrome; Ellis-van Creveld syndrome. Last evaluated: 2021-09-25. Review status: criteria provided, single submitter. Criteria: Invitae Variant Classification Sherloc (09022015). Collection method: clinical testing. Allele origin: germline.
Comment: For these reasons, this variant has been classified as Pathogenic. This variant has not been reported in the literature in individuals affected with EVC-related conditions. This variant is not present in population databases (ExAC no frequency). This sequence change creates a premature translational stop signal (p.Ala114Argfs*28) in the EVC gene. It is expected to result in an absent or disrupted protein product. Loss-of-function variants in EVC are known to be pathogenic (PMID: 23220543).

Literature cited by the submitters: PubMed 23220543.